The following is an entry in ClinVar:

NM_007294.4(BRCA1):c.4175T>C (p.Leu1392Ser)

Gene: BRCA1 (BRCA1 DNA repair associated; minus strand). Cytogenetic location: 17q21.31.
Variant type: single nucleotide variant.
Coding change: c.4175T>C on transcript NM_007294.4 (MANE Select); coding-DNA position 4175, T replaced by C.
Protein change: p.Leu1392Ser; replaces leucine 1392 with serine.
Molecular consequence: missense variant. On other transcripts: non-coding transcript variant (1).
Genome position (GRCh38, 1-based): chr17:43,090,954, A>G on the plus strand (T>C on the coding strand, the complement: BRCA1 is on the minus strand). VCF-style: chr17-43090954-A-G. GRCh37 (hg19) VCF-style: chr17-41242971-A-G.
Other names: c.749T>C, p.Leu250Ser (NM_001408422.1, NM_001408423.1, NM_001408418.1 and 2 more transcripts); c.3962T>C, p.Leu1321Ser (NM_001407571.1, NM_001407853.1, NM_001407894.1 and 9 more transcripts); c.746T>C, p.Leu249Ser (NM_001408424.1, NM_001408431.1, NM_001408421.1); c.4175T>C, p.Leu1392Ser (NM_001407581.1, NM_001407582.1, NM_001407583.1 and 30 more transcripts); c.740T>C, p.Leu247Ser (NM_001408432.1, NM_001408433.1, NM_001408434.1 and 6 more transcripts); c.743T>C, p.Leu248Ser (NM_001408426.1, NM_001408428.1, NM_001408429.1 and 12 more transcripts); c.4172T>C, p.Leu1391Ser (NM_001407587.1, NM_001407590.1, NM_001407591.1 and 22 more transcripts); c.860T>C, p.Leu287Ser (NM_001408406.1); and 41 more; short protein forms L1392S, L1345S, L289S, L1096S, L121S, L1265S, L1280S, L1281S.
Identifiers: ClinVar variation 578485 (VCV000578485.11), dbSNP rs778319854, ClinGen allele CA059506.

ClinVar aggregate classification (germline): Uncertain significance. Review status: criteria provided, multiple submitters, no conflicts (2 of 4 stars). 2 submissions from 2 submitters: Uncertain significance (2). Last evaluated 2026-01-02.

Conditions:
Hereditary cancer-predisposing syndrome. Also called: Neoplastic Syndromes, Hereditary; Tumor predisposition; Hereditary neoplastic syndrome; Hereditary Cancer Syndrome. Identifiers: Orphanet 140162, MedGen C0027672, MeSH D009386, MONDO:0015356.
Hereditary breast ovarian cancer syndrome. Also called: Hereditary breast and ovarian cancer syndrome; Hereditary breast and ovarian cancer syndrome (HBOC); BRCA1- and BRCA2-Associated Hereditary Breast and Ovarian Cancer; Hereditary breast and/or ovarian cancer syndrome; Hereditary breast and ovarian cancer; Breast and ovarian cancer. Identifiers: Orphanet 145, MedGen C0677776, MeSH D061325, MONDO:0003582. Disease mechanism: loss of function.

Allele frequency attached by ClinVar (database versions not stated): gnomAD exomes below 0.00001; ExAC 0.00001.
gnomAD v4.1: 5 of 1,610,554 alleles (0.00031%); highest among the groups gnomAD compares: South Asian, 0.0011%; no homozygotes.

Submissions (2):

Labcorp Genetics (formerly Invitae), Labcorp
Classification: Uncertain significance for Hereditary breast ovarian cancer syndrome. Last evaluated: 2026-01-02. Review status: criteria provided, single submitter. Criteria: Invitae Variant Classification Sherloc (09022015). Collection method: clinical testing. Allele origin: germline.
Comment: This sequence change replaces leucine, which is neutral and non-polar, with serine, which is neutral and polar, at codon 1392 of the BRCA1 protein (p.Leu1392Ser). The frequency data for this variant in the population databases is considered unreliable, as metrics indicate poor data quality at this position in the gnomAD database. This missense change has been observed in individual(s) with breast cancer (PMID: 29470806). ClinVar contains an entry for this variant (Variation ID: 578485). Invitae Evidence Modeling of protein sequence and biophysical properties (such as structural, functional, and spatial information, amino acid conservation, physicochemical variation, residue mobility, and thermodynamic stability) indicates that this missense variant is expected to disrupt BRCA1 protein function with a positive predictive value of 80%. In summary, the available evidence is currently insufficient to determine the role of this variant in disease. Therefore, it has been classified as a Variant of Uncertain Significance.

Ambry Genetics
Classification: Uncertain significance for Hereditary cancer-predisposing syndrome. Last evaluated: 2023-09-16. Review status: criteria provided, single submitter. Criteria: Ambry Variant Classification Scheme 2023. Collection method: clinical testing. Allele origin: germline.
Comment: The p.L1392S variant (also known as c.4175T>C), located in coding exon 10 of the BRCA1 gene, results from a T to C substitution at nucleotide position 4175. The leucine at codon 1392 is replaced by serine, an amino acid with dissimilar properties. This amino acid position is highly conserved in available vertebrate species. In addition, this alteration is predicted to be deleterious by in silico analysis. Since supporting evidence is limited at this time, the clinical significance of this alteration remains unclear.

Literature cited by the submitters: PubMed 29470806 (cited by Labcorp Genetics (formerly Invitae), Labcorp).